The following is an entry in ClinVar:

NM_001267550.2(TTN):c.85421G>A (p.Arg28474His)

Genes: TTN (titin; minus strand), TTN-AS1 (TTN antisense RNA 1; plus strand). Cytogenetic location: 2q31.2.
Variant type: single nucleotide variant.
Coding change: c.85421G>A on transcript NM_001267550.2 (MANE Select); coding-DNA position 85421, G replaced by A.
Protein change: p.Arg28474His; replaces arginine 28474 with histidine.
Molecular consequence: missense variant.
Genome position (GRCh38, 1-based): chr2:178,560,711, C>T on the plus strand (G>A on the coding strand, the complement: TTN is on the minus strand). VCF-style: chr2-178560711-C-T. GRCh37 (hg19) VCF-style: chr2-179425438-C-T.
Other names: c.80498G>A, p.Arg26833His (NM_001256850.1); c.58226G>A, p.Arg19409His (NM_003319.4); c.77717G>A, p.Arg25906His (NM_133378.4); c.58601G>A, p.Arg19534His (NM_133432.3); c.58802G>A, p.Arg19601His (NM_133437.4); short protein forms R28474H, R25906H, R19534H, R19409H, R19601H, R26833H.
Identifiers: ClinVar variation 413148 (VCV000413148.18), dbSNP rs754356257, ClinGen allele CA1988647.
Genomic context (GRCh38, chr2:178,560,711, plus strand): 5'-CTTGTTTCACGTTTTTCTACGATGTAATAGTCGATATCTGCACCACCATCTTCTTGGGGA[C>T]GTCCCCAGGAAAGAGAGCATTTCTCAGCAGTGAGGCCATTTATTTCAAGTGGTCCTGCTG-3'
Protein context (NP_001254479.2, residues 28464-28484): TAEKCSLSWG[Arg28474His]PQEDGGADID

ClinVar aggregate classification (germline): Conflicting classifications of pathogenicity. Review status: criteria provided, conflicting classifications (1 of 4 stars). 5 submissions from 5 submitters: Uncertain significance (1); Likely benign (4). Last evaluated 2026-07-01.

Conditions:
TTN-related disorder. Also called: TTN-related condition; TTN-related disease; TTN-related disorders.
Cardiovascular phenotype. Identifiers: MedGen CN230736.
Autosomal recessive limb-girdle muscular dystrophy type 2J (LGMDR10). Also called: Limb-girdle muscular dystrophy, type 2J; MUSCULAR DYSTROPHY, LIMB-GIRDLE, AUTOSOMAL RECESSIVE 10. Identifiers: Orphanet 140922, MedGen C1837342, MONDO:0012127, OMIM 608807.
Dilated cardiomyopathy 1G (CMD1G). Identifiers: Orphanet 154, MedGen C1858763, MONDO:0011400, OMIM 604145.

Allele frequency attached by ClinVar (database versions not stated): gnomAD 0.00002 and 0.00003; TOPMed 0.00002; gnomAD exomes 0.00009 and 0.00019; ExAC 0.00018.
gnomAD v4.1: 145 of 1,613,518 alleles (0.009%); highest among the groups gnomAD compares: South Asian, 0.12%; 2 homozygotes.

Submissions (5):

CeGaT Center for Human Genetics Tuebingen
Classification: Likely benign. Last evaluated: 2026-07-01. Review status: criteria provided, single submitter. Criteria: CeGaT Center For Human Genetics Tuebingen Variant Classification Criteria Version 2. Collection method: clinical testing. Allele origin: germline. Affected: yes. Observed: 1 variant allele.
Comment: TTN: BP4

Labcorp Genetics (formerly Invitae), Labcorp
Classification: Likely benign for Dilated cardiomyopathy 1G; Autosomal recessive limb-girdle muscular dystrophy type 2J. Last evaluated: 2026-01-26. Review status: criteria provided, single submitter. Criteria: Invitae Variant Classification Sherloc (09022015). Collection method: clinical testing. Allele origin: germline.

PreventionGenetics, part of Exact Sciences
Classification: Likely benign for TTN-related condition. Last evaluated: 2025-09-30. Review status: criteria provided, single submitter. Criteria: ACMG Guidelines, 2015. Collection method: clinical testing. Allele origin: germline.
Comment: This variant is classified as likely benign based on ACMG/AMP sequence variant interpretation guidelines (Richards et al. 2015 PMID: 25741868, with internal and published modifications).

Revvity Omics, Revvity
Classification: Uncertain significance. Last evaluated: 2023-04-03. Review status: criteria provided, single submitter. Criteria: ACMG Guidelines, 2015. Collection method: clinical testing. Allele origin: germline.

Ambry Genetics
Classification: Likely benign for Cardiovascular phenotype. Last evaluated: 2019-12-11. Review status: criteria provided, single submitter. Criteria: Ambry Variant Classification Scheme 2023. Collection method: clinical testing. Allele origin: germline.